The following is an entry in ClinVar:

NM_001365536.1(SCN9A):c.2148A>T (p.Arg716Ser)

Genes: SCN1A-AS1 (SCN1A and SCN9A antisense RNA 1; plus strand), SCN9A (sodium voltage-gated channel alpha subunit 9; minus strand). Cytogenetic location: 2q24.3.
Variant type: single nucleotide variant.
Coding change: c.2148A>T on transcript NM_001365536.1 (MANE Select); coding-DNA position 2148, A replaced by T.
Protein change: p.Arg716Ser; replaces arginine 716 with serine.
Molecular consequence: missense variant.
Genome position (GRCh38, 1-based): chr2:166,280,552, T>A on the plus strand (A>T on the coding strand, the complement: SCN9A is on the minus strand). VCF-style: chr2-166280552-T-A. GRCh37 (hg19) VCF-style: chr2-167137062-T-A.
Other names: c.2115A>T, p.Arg705Ser (NM_002977.4); short protein forms R705S, R716S.
Identifiers: ClinVar variation 1061398 (VCV001061398.11), dbSNP rs1481203937, ClinGen allele CA349079861.

ClinVar aggregate classification (germline): Uncertain significance. Review status: criteria provided, multiple submitters, no conflicts (2 of 4 stars). 3 submissions from 3 submitters: Uncertain significance (3). Last evaluated 2025-05-07.

Conditions:
Neuropathy, hereditary sensory and autonomic, type 2A (HSAN2A). Also called: MORVAN DISEASE; NEUROPATHY, CONGENITAL SENSORY; NEUROPATHY, HEREDITARY SENSORY RADICULAR, AUTOSOMAL RECESSIVE; NEUROPATHY, HEREDITARY SENSORY, TYPE IIA; NEUROPATHY, PROGRESSIVE SENSORY, OF CHILDREN; ACROOSTEOLYSIS, GIACCAI TYPE. Identifiers: Orphanet 970, MedGen C2752089, MONDO:0024309, OMIM 201300.
Generalized epilepsy with febrile seizures plus, type 7 (GEFSP7). Also called: GEFS+, TYPE 7. Identifiers: Orphanet 36387, MedGen C2751778, MONDO:0013470, OMIM 613863.
Inborn genetic diseases. Identifiers: MedGen C0950123, MeSH D030342.

Allele frequency attached by ClinVar (database versions not stated): gnomAD exomes below 0.00001; gnomAD 0.00001; TOPMed 0.00001.
gnomAD v4.1: 5 of 1,590,770 alleles (0.00031%); highest among the groups gnomAD compares: African/African-American, 0.0067%; no homozygotes.

Submissions (3):

Ambry Genetics
Classification: Uncertain significance for Inborn genetic diseases. Last evaluated: 2025-05-07. Review status: criteria provided, single submitter. Criteria: Ambry Variant Classification Scheme 2023. Collection method: clinical testing. Allele origin: germline.

GeneDx
Classification: Uncertain significance. Last evaluated: 2023-12-22. Review status: criteria provided, single submitter. Criteria: GeneDx Variant Classification Process June 2021. Collection method: clinical testing. Allele origin: germline. Affected: yes.
Comment: In silico analysis supports that this missense variant does not alter protein structure/function; Has not been previously published as pathogenic or benign to our knowledge

Labcorp Genetics (formerly Invitae), Labcorp
Classification: Uncertain significance for Neuropathy, hereditary sensory and autonomic, type 2A; Generalized epilepsy with febrile seizures plus, type 7. Last evaluated: 2023-09-15. Review status: criteria provided, single submitter. Criteria: Invitae Variant Classification Sherloc (09022015). Collection method: clinical testing. Allele origin: germline.
Comment: Advanced modeling of protein sequence and biophysical properties (such as structural, functional, and spatial information, amino acid conservation, physicochemical variation, residue mobility, and thermodynamic stability) performed at Invitae indicates that this missense variant is not expected to disrupt SCN9A protein function. In summary, the available evidence is currently insufficient to determine the role of this variant in disease. Therefore, it has been classified as a Variant of Uncertain Significance. This sequence change replaces arginine, which is basic and polar, with serine, which is neutral and polar, at codon 705 of the SCN9A protein (p.Arg705Ser). The frequency data for this variant in the population databases is considered unreliable, as metrics indicate poor data quality at this position in the gnomAD database. This variant has not been reported in the literature in individuals affected with SCN9A-related conditions. ClinVar contains an entry for this variant (Variation ID: 1061398).